The following is an entry in ClinVar:

ClinVar aggregate classification (germline): Uncertain significance (1 of 4 stars; one submission).

gnomAD v4.1: 1 of 1,613,736 alleles (0.000062%); highest among the groups gnomAD compares: Non-Finnish European, 0.000085%; no homozygotes.

Submission:

GeneDx
Classification: Uncertain significance. Last evaluated: 2026-03-28. Review status: criteria provided, single submitter. Criteria: GeneDx Variant Classification Process June 2021. Collection method: clinical testing. Allele origin: germline.
Comment: In silico analysis suggests that this missense variant does not alter protein structure/function; Has not been previously published as pathogenic or benign to our knowledge

NM_003470.3(USP7):c.1323T>A (p.Asp441Glu)

Gene: USP7 (ubiquitin specific peptidase 7; minus strand). Cytogenetic location: 16p13.2.
Variant type: single nucleotide variant.
Coding change: c.1323T>A on transcript NM_003470.3 (MANE Select); coding-DNA position 1323, T replaced by A.
Protein change: p.Asp441Glu; replaces aspartic acid 441 with glutamic acid.
Molecular consequence: missense variant. On other transcripts: non-coding transcript variant (1).
Genome position (GRCh38, 1-based): chr16:8,906,531, A>T on the plus strand (T>A on the coding strand, the complement: USP7 is on the minus strand). VCF-style: chr16-8906531-A-T. GRCh37 (hg19) VCF-style: chr16-9000388-A-T.
Other names: c.1275T>A, p.Asp425Glu (NM_001286457.2); c.1026T>A, p.Asp342Glu (NM_001286458.2); c.1149T>A, p.Asp383Glu (NM_001321858.2); short protein forms D342E, D383E, D425E, D441E.
Identifiers: ClinVar variation 5017829 (VCV005017829.1).
Genomic context (GRCh38, chr16:8,906,531, plus strand): 5'-ATGATTATCTCCACTATGAACCAGGACTGCATGAAGAATATAATTTGCAGGGTCCTTAGG[A>T]TCTGTTTTTTGCAAAAATTCATCAAGTGGTAACTGCTCTGGGAATTCAAACCTATTAGAA-3'
Protein context (NP_003461.2, residues 431-451): LPLDEFLQKT[Asp441Glu]PKDPANYILH